The following is an entry in ClinVar:

NM_002282.3(KRT83):c.961C>T (p.Arg321Cys)

Gene: KRT83 (keratin 83; minus strand). Cytogenetic location: 12q13.13.
Variant type: single nucleotide variant.
Coding change: c.961C>T on transcript NM_002282.3 (MANE Select); coding-DNA position 961, C replaced by T.
Protein change: p.Arg321Cys; replaces arginine 321 with cysteine.
Molecular consequence: missense variant.
Genome position (GRCh38, 1-based): chr12:52,316,548, G>A on the plus strand (C>T on the coding strand, the complement: KRT83 is on the minus strand). VCF-style: chr12-52316548-G-A. GRCh37 (hg19) VCF-style: chr12-52710332-G-A.
Other names: short protein forms R321C.
Identifiers: ClinVar variation 4095252 (VCV004095252.2).

ClinVar aggregate classification (germline): Uncertain significance. Review status: criteria provided, multiple submitters, no conflicts (2 of 4 stars). 2 submissions from 2 submitters: Uncertain significance (2). Last evaluated 2025-09-04.

gnomAD v4.1: 82 of 1,613,982 alleles (0.0051%); highest among the groups gnomAD compares: African/African-American, 0.017%; no homozygotes.

Submissions (2):

Ambry Genetics
Classification: Uncertain significance. Last evaluated: 2025-09-04. Review status: criteria provided, single submitter. Criteria: Ambry Variant Classification Scheme 2023. Collection method: clinical testing. Allele origin: germline.

Labcorp Genetics (formerly Invitae), Labcorp
Classification: Uncertain significance. Last evaluated: 2025-05-13. Review status: criteria provided, single submitter. Criteria: Invitae Variant Classification Sherloc (09022015). Collection method: clinical testing. Allele origin: germline.
Comment: This sequence change replaces arginine, which is basic and polar, with cysteine, which is neutral and slightly polar, at codon 321 of the KRT83 protein (p.Arg321Cys). This variant is present in population databases (rs200128355, gnomAD 0.01%). This variant has not been reported in the literature in individuals affected with KRT83-related conditions. Invitae Evidence Modeling of protein sequence and biophysical properties (such as structural, functional, and spatial information, amino acid conservation, physicochemical variation, residue mobility, and thermodynamic stability) indicates that this missense variant is not expected to disrupt KRT83 protein function with a negative predictive value of 80%. In summary, the available evidence is currently insufficient to determine the role of this variant in disease. Therefore, it has been classified as a Variant of Uncertain Significance.